The following is an entry in ClinVar:

NM_001089.3(ABCA3):c.4861C>T (p.Gln1621Ter)

Gene: ABCA3 (ATP binding cassette subfamily A member 3; minus strand). Cytogenetic location: 16p13.3.
Variant type: single nucleotide variant.
Coding change: c.4861C>T on transcript NM_001089.3 (MANE Select); coding-DNA position 4861, C replaced by T.
Protein change: p.Gln1621Ter; replaces glutamine 1621 with a stop codon.
Molecular consequence: nonsense.
Genome position (GRCh38, 1-based): chr16:2,277,927, G>A on the plus strand (C>T on the coding strand, the complement: ABCA3 is on the minus strand). VCF-style: chr16-2277927-G-A. GRCh37 (hg19) VCF-style: chr16-2327928-G-A.
Other names: short protein forms Q1621*.
Identifiers: ClinVar variation 5016258 (VCV005016258.1).
Genomic context (GRCh38, chr16:2,277,927, plus strand): 5'-GCCGGCACACACCTGGAAAGGTCAGGTCCACGAAGGCCTTGAACTCCTCCAGCGCCTCCT[G>A]TTGCCCTTCACTCTGCACCTTGGCCCGCAGGGAGTAGCCGCTGCCGAACTTGCTCTTGAG-3'

ClinVar aggregate classification (germline): Pathogenic (1 of 4 stars; one submission).

Conditions:
Interstitial lung disease due to ABCA3 deficiency. Also called: PULMONARY ALVEOLAR PROTEINOSIS, CONGENITAL, 3. Identifiers: Orphanet 440402, MedGen C1970456, MONDO:0012582, OMIM 610921.

Submission:

Myriad Genetics, Inc.
Classification: Pathogenic for Interstitial lung disease due to ABCA3 deficiency. Last evaluated: 2026-08-21. Review status: criteria provided, single submitter. Criteria: Myriad Autosomal Dominant, Autosomal Recessive and X-Linked Classification Criteria (2023). Collection method: clinical testing. Allele origin: unknown.
Comment: NM_001089.2(ABCA3):c.4861C>T(Q1621*) is expected to be pathogenic in the context of surfactant deficiency, ABCA3-related. This variant is predicted to lead to an abnormal or absent protein product due to the creation of a premature termination codon in ABCA3, a gene where loss-of-function variants are known to be pathogenic. Please note: this variant was assessed in the context of healthy population screening.